The following is an entry in ClinVar:

ClinVar aggregate classification (germline): Pathogenic (1 of 4 stars; one submission).

Submission:

Labcorp Genetics (formerly Invitae), Labcorp
Classification: Pathogenic. Last evaluated: 2022-12-30. Review status: criteria provided, single submitter. Criteria: Invitae Variant Classification Sherloc (09022015). Collection method: clinical testing. Allele origin: unknown.
Comment: For these reasons, this variant has been classified as Pathogenic. This variant has not been reported in the literature in individuals affected with EYS-related conditions. This variant is a gross deletion of the genomic region encompassing exon(s) 1-35 of the EYS gene, which includes the initiator codon. This deletion extends beyond the assayed region for this gene and therefore may encompass additional genes. It is expected to result in an absent or disrupted protein product. Loss-of-function variants in EYS are known to be pathogenic (PMID: 18836446, 20333770).

Literature cited by the submitters: PubMed 18836446; PubMed 20333770.

NC_000006.11:g.(?_64694256)_(66417118_?)del

Gene: EYS (eyes shut homolog; minus strand). Cytogenetic location: 6q12.
Variant type: Deletion.
Identifiers: ClinVar variation 3246101 (VCV003246101.1).